The following is an entry in ClinVar:

ClinVar aggregate classification (germline): Benign. Review status: criteria provided, multiple submitters, no conflicts (2 of 4 stars). 3 submissions from 3 submitters: Benign (3). Last evaluated 2021-07-01.

Conditions:
Usher syndrome type 1F (USH1F). Also called: USHER SYNDROME, TYPE IF. Identifiers: Orphanet 231169, Orphanet 886, MedGen C1865885, MONDO:0011186, OMIM 602083.

Allele frequency attached by ClinVar (database versions not stated): gnomAD exomes 0.06486; 1000 Genomes Project 0.03415; gnomAD 0.05327 and 0.05390; 1000 Genomes Project 30x 0.03357; TOPMed 0.05271.
gnomAD v4.1: 103,076 of 1,612,054 alleles (6.4%); highest among the groups gnomAD compares: Middle Eastern, 17%; 3,876 homozygotes.

Submissions (3):

Genome-Nilou Lab
Classification: Benign for Usher syndrome type 1F. Last evaluated: 2021-07-01. Review status: criteria provided, single submitter. Criteria: ACMG Guidelines, 2015. Collection method: clinical testing. Allele origin: germline. Affected: no.

GeneDx
Classification: Benign. Last evaluated: 2018-06-14. Review status: criteria provided, single submitter. Criteria: GeneDx Variant Classification (06012015). Collection method: clinical testing. Allele origin: germline. Affected: yes.
Comment: This variant is considered likely benign or benign based on one or more of the following criteria: it is a conservative change, it occurs at a poorly conserved position in the protein, it is predicted to be benign by multiple in silico algorithms, and/or has population frequency not consistent with disease.

Breakthrough Genomics
Classification: Benign. Review status: criteria provided, single submitter. Criteria: ACMG Guidelines, 2015. Collection method: not provided. Allele origin: germline. Inheritance: Autosomal recessive inheritance. Affected: yes.

NM_001384140.1(PCDH15):c.2868+69G>A

Gene: PCDH15 (protocadherin related 15; minus strand). Cytogenetic location: 10q21.1.
Variant type: single nucleotide variant.
Coding change: c.2868+69G>A on transcript NM_001384140.1 (MANE Select); 69 bases into the intron after coding-DNA position 2868, G replaced by A.
Molecular consequence: intron variant. On other transcripts: 3 prime UTR variant (1).
Genome position (GRCh38, 1-based): chr10:53,995,580, C>T on the plus strand (G>A on the coding strand, the complement: PCDH15 is on the minus strand). VCF-style: chr10-53995580-C-T. GRCh37 (hg19) VCF-style: chr10-55755340-C-T.
Other names: c.*51G>A (NM_001354430.2); c.2868+69G>A (NM_001354420.2, NM_001354429.2, NM_001142772.2 and 4 more transcripts); c.2883+69G>A (NM_001142771.2, NM_001142763.2); c.2889+69G>A (NM_001354411.2); c.2904+69G>A (NM_001142769.3); c.2802+69G>A (NM_001354404.2, NM_001142773.2, NM_001142768.2); c.2757+69G>A (NM_001142767.2); c.2655+69G>A (NM_001142765.2).
Identifiers: ClinVar variation 675949 (VCV000675949.5), dbSNP rs11003980, ClinGen allele CA207173899.